The following is an entry in ClinVar:

NM_005476.7(GNE):c.323T>C (p.Ile108Thr)

Gene: GNE (glucosamine (UDP-N-acetyl)-2-epimerase/N-acetylmannosamine kinase; minus strand). Cytogenetic location: 9p13.3.
Variant type: single nucleotide variant.
Coding change: c.323T>C on transcript NM_005476.7 (MANE Select); coding-DNA position 323, T replaced by C.
Protein change: p.Ile108Thr; replaces isoleucine 108 with threonine.
Molecular consequence: missense variant.
Genome position (GRCh38, 1-based): chr9:36,246,324, A>G on the plus strand (T>C on the coding strand, the complement: GNE is on the minus strand). VCF-style: chr9-36246324-A-G. GRCh37 (hg19) VCF-style: chr9-36246321-A-G.
Other names: c.146T>C, p.Ile49Thr (NM_001190388.2, NM_001374798.1, NM_001190384.3); c.323T>C, p.Ile108Thr (NM_001374797.1, NM_001190383.3); c.416T>C, p.Ile139Thr (NM_001128227.3); short protein forms I139T, I49T, I108T.
Identifiers: ClinVar variation 1431319 (VCV001431319.8), dbSNP rs2133113113, ClinGen allele CA373419512.

ClinVar aggregate classification (germline): Uncertain significance (1 of 4 stars; one submission).

Conditions:
GNE myopathy (NM). Also called: INCLUSION BODY MYOPATHY 2, AUTOSOMAL RECESSIVE; MYOPATHY, DISTAL, WITH OR WITHOUT RIMMED VACUOLES; INCLUSION BODY MYOPATHY, HEREDITARY, AUTOSOMAL RECESSIVE; NONAKA DISTAL MYOPATHY; IBM 2; Inclusion body myopathy autosomal recessive. Identifiers: Orphanet 602, MedGen C1853926, MONDO:0011603, OMIM 605820.
Sialuria. Also called: Sialic Acid Storage Disease; SIALURIA, FRENCH TYPE. Identifiers: Orphanet 3166, MedGen C0342853, MONDO:0010028, OMIM 269921.

Submission:

Labcorp Genetics (formerly Invitae), Labcorp
Classification: Uncertain significance for Sialuria; GNE myopathy. Last evaluated: 2022-08-23. Review status: criteria provided, single submitter. Criteria: Invitae Variant Classification Sherloc (09022015). Collection method: clinical testing. Allele origin: germline.
Comment: In summary, the available evidence is currently insufficient to determine the role of this variant in disease. Therefore, it has been classified as a Variant of Uncertain Significance. ClinVar contains an entry for this variant (Variation ID: 1431319). This variant has not been reported in the literature in individuals affected with GNE-related conditions. This variant is not present in population databases (gnomAD no frequency). This sequence change replaces isoleucine, which is neutral and non-polar, with threonine, which is neutral and polar, at codon 139 of the GNE protein (p.Ile139Thr). Algorithms developed to predict the effect of missense changes on protein structure and function are either unavailable or do not agree on the potential impact of this missense change (SIFT: "Deleterious"; PolyPhen-2: "Benign"; Align-GVGD: "Class C25").